The following is an entry in ClinVar:

NM_001105206.3(LAMA4):c.686A>C (p.Tyr229Ser)

Gene: LAMA4 (laminin subunit alpha 4; minus strand). Cytogenetic location: 6q21.
Variant type: single nucleotide variant.
Coding change: c.686A>C on transcript NM_001105206.3 (MANE Select); coding-DNA position 686, A replaced by C.
Protein change: p.Tyr229Ser; replaces tyrosine 229 with serine.
Molecular consequence: missense variant.
Genome position (GRCh38, 1-based): chr6:112,191,668, T>G on the plus strand (A>C on the coding strand, the complement: LAMA4 is on the minus strand). VCF-style: chr6-112191668-T-G. GRCh37 (hg19) VCF-style: chr6-112512870-T-G.
Other names: c.686A>C, p.Tyr229Ser (NM_001105207.3, NM_002290.5); short protein forms Y229S.
Identifiers: ClinVar variation 3536946 (VCV003536946.1).

ClinVar aggregate classification (germline): Uncertain significance (1 of 4 stars; one submission).

Conditions:
Cardiovascular phenotype. Identifiers: MedGen CN230736.

gnomAD v4.1: 4 of 1,613,936 alleles (0.00025%); highest among the groups gnomAD compares: Non-Finnish European, 0.00025%; no homozygotes.

Submission:

Ambry Genetics
Classification: Uncertain significance for Cardiovascular phenotype. Last evaluated: 2024-09-17. Review status: criteria provided, single submitter. Criteria: Ambry Variant Classification Scheme 2023. Collection method: clinical testing. Allele origin: germline.
Comment: The p.Y229S variant (also known as c.686A>C), located in coding exon 5 of the LAMA4 gene, results from an A to C substitution at nucleotide position 686. The tyrosine at codon 229 is replaced by serine, an amino acid with dissimilar properties. This amino acid position is conserved. In addition, this alteration is predicted to be deleterious by in silico analysis. Based on the available evidence, the clinical significance of this variant remains unclear.